The following is an entry in ClinVar:

NM_001127511.3(APC):c.42C>G (p.Pro14=)

Gene: APC (APC regulator of Wnt signaling pathway; plus strand). Cytogenetic location: 5q22.2.
Variant type: single nucleotide variant.
Coding change: c.42C>G on transcript NM_001127511.3; coding-DNA position 42, C replaced by G.
Protein change: p.Pro14=; no amino-acid change (proline 14 retained).
Molecular consequence: synonymous variant. On other transcripts: 5 prime UTR variant (8), non-coding transcript variant (1), intron variant (5).
Genome position (GRCh38, 1-based): chr5:112,707,759, C>G. VCF-style: chr5-112707759-C-G. GRCh37 (hg19) VCF-style: chr5-112043456-C-G.
Other names: c.-142C>G (NM_001354895.2, NM_001407447.1, NM_001407452.1 and 3 more transcripts); c.42C>G, p.Pro14= (NM_001354897.2, NM_001354902.2, NM_001407446.1); c.-1177C>G (NM_001407470.1, NM_001407472.1); c.-19+110C>G (NM_001407448.1, NM_001407450.1, NM_001407457.1 and 1 more transcripts); c.-43+110C>G (NM_001407453.1).
Identifiers: ClinVar variation 1369490 (VCV001369490.44), dbSNP rs948153103, ClinGen allele CA802057366.
Genomic context (GRCh38, chr5:112,707,759, plus strand): 5'-TCGGGCCTCGGCGCCCCCTATGTACGCCTCCCTGGGCTCGGGTCCGGTCGCCCCTTTGCC[C>G]GCTTCTGTACCACCCTCAGTTCTCGGGTCCTGGAGCACCGGCGGCAGCAGGAGCTGCGTC-3'

ClinVar aggregate classification (germline): Uncertain significance (1 of 4 stars; one submission).

Conditions:
Familial adenomatous polyposis 1 (FAP1). Also called: FAMILIAL ADENOMATOUS POLYPOSIS 1, ATTENUATED; POLYPOSIS, ADENOMATOUS INTESTINAL. Identifiers: MedGen C2713442, MONDO:0021056, OMIM 175100. Disease mechanism: loss of function.

Allele frequency attached by ClinVar (database versions not stated): gnomAD exomes below 0.00001.
gnomAD v4.1: 1 of 1,370,654 alleles (0.000073%); highest among the groups gnomAD compares: African/African-American, 0.0014%; no homozygotes.

Submission:

Labcorp Genetics (formerly Invitae), Labcorp
Classification: Uncertain significance for Familial adenomatous polyposis 1. Last evaluated: 2024-01-19. Review status: criteria provided, single submitter. Criteria: Invitae Variant Classification Sherloc (09022015). Collection method: clinical testing. Allele origin: germline.
Comment: This variant occurs in a non-coding region of the APC gene. It does not change the encoded amino acid sequence of the APC protein. This variant is not present in population databases (gnomAD no frequency). This variant has not been reported in the literature in individuals affected with APC-related conditions. Experimental studies and prediction algorithms are not available or were not evaluated, and the functional significance of this variant is currently unknown. In summary, the available evidence is currently insufficient to determine the role of this variant in disease. Therefore, it has been classified as a Variant of Uncertain Significance.